The following is an entry in ClinVar:

NM_000051.4(ATM):c.6716dup (p.Met2239fs)

Genes: ATM (ATM serine/threonine kinase; plus strand), C11orf65 (chromosome 11 open reading frame 65; minus strand). Cytogenetic location: 11q22.3.
Variant type: Duplication.
Coding change: c.6716dup on transcript NM_000051.4 (MANE Select); coding-DNA position 6716, one base duplicated (T; older notation c.6716dupT).
Protein change: p.Met2239fs; shifts the reading frame from methionine 2239.
Molecular consequence: frameshift variant. On other transcripts: intron variant (2).
Genome position (GRCh38, 1-based): chr11:108,325,453, T duplicated. VCF-style (leftmost placement, unchanged base first): chr11-108325452-A-AT. GRCh37 (hg19) VCF-style: chr11-108196179-A-AT.
Other names: c.6716dup, p.Met2239fs (NM_001351834.2); c.641-16382dup (NM_001330368.2); c.*38+9767dup (NM_001351110.2); short protein forms M2239fs.
Identifiers: ClinVar variation 3621079 (VCV003621079.2).

ClinVar aggregate classification (germline): Pathogenic (1 of 4 stars; one submission).

Conditions:
Ataxia-telangiectasia syndrome (AT). Also called: LOUIS-BAR SYNDROME; Cerebello-oculocutaneous telangiectasia; Immunodeficiency with ataxia telangiectasia; ATAXIA-TELANGIECTASIA, COMPLEMENTATION GROUP A; ATAXIA-TELANGIECTASIA, FRESNO VARIANT; Ataxia-telangiectasia. Identifiers: Orphanet 100, MedGen C0004135, MONDO:0008840, OMIM 208900.

Submission:

Labcorp Genetics (formerly Invitae), Labcorp
Classification: Pathogenic for Ataxia-telangiectasia syndrome. Last evaluated: 2024-04-07. Review status: criteria provided, single submitter. Criteria: Invitae Variant Classification Sherloc (09022015). Collection method: clinical testing. Allele origin: germline.
Comment: This sequence change creates a premature translational stop signal (p.Met2239Ilefs*10) in the ATM gene. It is expected to result in an absent or disrupted protein product. Loss-of-function variants in ATM are known to be pathogenic (PMID: 23807571, 25614872). This variant is not present in population databases (gnomAD no frequency). This variant has not been reported in the literature in individuals affected with ATM-related conditions. For these reasons, this variant has been classified as Pathogenic.

Literature cited by the submitters: PubMed 23807571; PubMed 25614872.